The following is an entry in ClinVar:

NM_033427.3(CTTNBP2):c.3579C>A (p.Ile1193=)

Gene: CTTNBP2 (cortactin binding protein 2; minus strand). Cytogenetic location: 7q31.31.
Variant type: single nucleotide variant.
Coding change: c.3579C>A on transcript NM_033427.3 (MANE Select); coding-DNA position 3579, C replaced by A.
Protein change: p.Ile1193=; no amino-acid change (isoleucine 1193 retained).
Molecular consequence: synonymous variant.
Genome position (GRCh38, 1-based): chr7:117,735,378, G>T on the plus strand (C>A on the coding strand, the complement: CTTNBP2 is on the minus strand). VCF-style: chr7-117735378-G-T. GRCh37 (hg19) VCF-style: chr7-117375432-G-T.
Other names: c.3525C>A, p.Ile1175= (NM_001363349.1); c.1482C>A, p.Ile494= (NM_001363350.1, NM_001363351.1).
Identifiers: ClinVar variation 3038886 (VCV003038886.2), dbSNP rs35239561, ClinGen allele CA4452154.
Genomic context (GRCh38, chr7:117,735,378, plus strand): 5'-CAAAAAGTCCCTCAATAACTCCGACAGTGAAGATTTTTCTAAATTTTCTAAAATGATGAT[G>T]ATTTTCTTCTTACTGGGAGATTGTTTCACTGGGATCAGACAAGCTATAATAAAAAAGGAA-3'
Protein context (NP_219499.1, residues 1183-1203): PVKQSPSKKK[Ile1193=]IIILENLEKS

ClinVar aggregate classification (germline): Benign (0 of 4 stars; one submission).

Conditions:
CTTNBP2-related disorder. Also called: CTTNBP2-related condition.

Allele frequency attached by ClinVar (database versions not stated): gnomAD exomes 0.00076; ExAC 0.00227; gnomAD 0.00717; ESP Exome Variant Server 0.00777; TOPMed 0.00824; 1000 Genomes Project 0.00839; 1000 Genomes Project 30x 0.00874.
gnomAD v4.1: 2,230 of 1,613,200 alleles (0.14%); highest among the groups gnomAD compares: African/African-American, 2.5%; 26 homozygotes.

Submission:

PreventionGenetics, part of Exact Sciences
Classification: Benign for CTTNBP2-related condition. Last evaluated: 2021-08-11. Review status: no assertion criteria provided. Collection method: clinical testing. Allele origin: germline.
Comment: This variant is classified as benign based on ACMG/AMP sequence variant interpretation guidelines (Richards et al. 2015 PMID: 25741868, with internal and published modifications).